The following is an entry in ClinVar:

ClinVar aggregate classification (germline): Pathogenic (1 of 4 stars; one submission).

Conditions:
Intellectual developmental disorder, autosomal dominant 57. Also called: MENTAL RETARDATION, AUTOSOMAL DOMINANT 57; Intellectual disability, autosomal dominant 57. Identifiers: MedGen C4748003, MONDO:0054837, OMIM 618050.

Submission:

Institute of Human Genetics, University of Leipzig Medical Center
Classification: Pathogenic for Intellectual developmental disorder, autosomal dominant 57. Last evaluated: 2025-03-04. Review status: criteria provided, single submitter. Criteria: ACMG Guidelines, 2015. Collection method: clinical testing. Allele origin: de novo. Inheritance: Autosomal dominant inheritance. Affected: yes.
Comment: Criteria applied: PVS1,PS2_MOD,PM2

NM_006852.6(TLK2):c.1415del (p.Gln472fs)

Gene: TLK2 (tousled like kinase 2; plus strand). Cytogenetic location: 17q23.2.
Variant type: Deletion.
Coding change: c.1415del on transcript NM_006852.6 (MANE Select); coding-DNA position 1415, one base deleted (A; older notation c.1415delA).
Protein change: p.Gln472fs; shifts the reading frame from glutamine 472.
Molecular consequence: frameshift variant.
Genome position (GRCh38, 1-based): chr17:62,586,181, A deleted. VCF-style (leftmost placement, unchanged base first): chr17-62586180-CA-C. GRCh37 (hg19) VCF-style: chr17-60663541-CA-C.
Other names: c.1481del, p.Gln494fs (NM_001284333.3); c.1319del, p.Gln440fs (NM_001284363.1, NM_001375272.1); c.968del, p.Gln323fs (NM_001330418.3, NM_001375273.1); c.1457del, p.Gln486fs (NM_001375269.1); c.1415del, p.Gln472fs (NM_001375270.1, NM_001375271.1); c.1130del, p.Gln377fs (NM_001411074.1); short protein forms Q323fs, Q377fs, Q440fs, Q472fs, Q486fs, Q494fs.
Identifiers: ClinVar variation 3376137 (VCV003376137.4).